The following is an entry in ClinVar:

NM_000016.6(ACADM):c.863_865dup (p.Ala288_Val289insAla)

Gene: ACADM (acyl-CoA dehydrogenase medium chain; plus strand). Cytogenetic location: 1p31.1.
Variant type: Duplication.
Coding change: c.863_865dup on transcript NM_000016.6 (MANE Select); coding-DNA positions 863 to 865, 3 bases duplicated (CTG; older notation c.863_865dupCTG).
Protein change: p.Ala288_Val289insAla.
Molecular consequence: inframe insertion.
Genome position (GRCh38, 1-based): chr1:75,750,464-75,750,466, CTG duplicated; duplicating any 3 consecutive bases within chr1:75,750,462-75,750,466 gives the same sequence; the c. name uses the placement nearest the transcript's 3' end. VCF-style (leftmost placement, unchanged base first): chr1-75750461-G-GTGC. GRCh37 (hg19) VCF-style: chr1-76216146-G-GTGC.
Other names: c.875_877dup, p.Ala292_Val293insAla (NM_001127328.3); c.755_757dup, p.Ala252_Val253insAla (NM_001286042.2); c.962_964dup, p.Ala321_Val322insAla (NM_001286043.2); c.296_298dup, p.Ala99_Val100insAla (NM_001286044.2).
Identifiers: ClinVar variation 2112154 (VCV002112154.4), dbSNP rs2525652603, ClinGen allele CA2580063245.

ClinVar aggregate classification (germline): Uncertain significance (1 of 4 stars; one submission).

Conditions:
Medium-chain acyl-coenzyme A dehydrogenase deficiency (ACADMD). Also called: MCADH DEFICIENCY; ACADM DEFICIENCY; MCADD; MCAD Deficiency; CARNITINE DEFICIENCY SECONDARY TO MEDIUM-CHAIN ACYL-CoA DEHYDROGENASE DEFICIENCY; Medium chain acyl-CoA dehydrogenase deficiency. Identifiers: Orphanet 42, MedGen C0220710, MONDO:0008721, OMIM 201450.

Submission:

Labcorp Genetics (formerly Invitae), Labcorp
Classification: Uncertain significance for Medium-chain acyl-coenzyme A dehydrogenase deficiency. Last evaluated: 2022-04-13. Review status: criteria provided, single submitter. Criteria: Invitae Variant Classification Sherloc (09022015). Collection method: clinical testing. Allele origin: germline.
Comment: In summary, the available evidence is currently insufficient to determine the role of this variant in disease. Therefore, it has been classified as a Variant of Uncertain Significance. This variant has been observed in individual(s) with medium-chain acyl-coenzyme A dehydrogenase deficiency (Invitae). In at least one individual the data is consistent with being in trans (on the opposite chromosome) from a pathogenic variant. This variant is not present in population databases (gnomAD no frequency). This variant, c.863_865dup, results in the insertion of 1 amino acid(s) of the ACADM protein (p.Ala288dup), but otherwise preserves the integrity of the reading frame.